The following is an entry in ClinVar:

NM_145059.3(FCSK):c.2894G>A (p.Arg965Gln)

Gene: FCSK (fucose kinase; plus strand). Cytogenetic location: 16q22.1.
Variant type: single nucleotide variant.
Coding change: c.2894G>A on transcript NM_145059.3 (MANE Select); coding-DNA position 2894, G replaced by A.
Protein change: p.Arg965Gln; replaces arginine 965 with glutamine.
Molecular consequence: missense variant.
Genome position (GRCh38, 1-based): chr16:70,478,615, G>A. VCF-style: chr16-70478615-G-A. GRCh37 (hg19) VCF-style: chr16-70512518-G-A.
Other names: p.Arg965Gln; c.2894G>A (NM_145059.2); short protein forms R965Q.
Identifiers: ClinVar variation 2683373 (VCV002683373.5), dbSNP rs761231496, ClinGen allele CA8143774.
Genomic context (GRCh38, chr16:70,478,615, plus strand): 5'-TGCTGAGGAGCTGGTATGCCCGACTTCCTGCTGTGGTGCAGAATGCCCACAGCCTGGTAC[G>A]GCAAACTGAGGAGTGTGCTGAAGGCTTCCGCCAAGGTGAGGGGCTTCCTCTGGGGGGGTC-3'
Protein context (NP_659496.2, residues 955-975): AVVQNAHSLV[Arg965Gln]QTEECAEGFR

ClinVar aggregate classification (germline): Conflicting classifications of pathogenicity. Review status: criteria provided, conflicting classifications (1 of 4 stars). 3 submissions from 3 submitters: Uncertain significance (2); Likely benign (1). Last evaluated 2025-05-18.

Allele frequency attached by ClinVar (database versions not stated): gnomAD 0.00003; TOPMed 0.00006.
gnomAD v4.1: 67 of 1,613,582 alleles (0.0042%); highest among the groups gnomAD compares: East Asian, 0.0067%; no homozygotes.

Submissions (3):

Ambry Genetics
Classification: Likely benign. Last evaluated: 2025-05-18. Review status: criteria provided, single submitter. Criteria: Ambry Variant Classification Scheme 2023. Collection method: clinical testing. Allele origin: germline.

Mayo Clinic Laboratories, Mayo Clinic
Classification: Uncertain significance. Last evaluated: 2023-03-29. Review status: criteria provided, single submitter. Criteria: ACMG Guidelines, 2015. Collection method: clinical testing. Allele origin: germline. Observed: 1 variant allele.
Comment: BP4, PM2

Labcorp Genetics (formerly Invitae), Labcorp
Classification: Uncertain significance. Last evaluated: 2023-01-10. Review status: criteria provided, single submitter. Criteria: Invitae Variant Classification Sherloc (09022015). Collection method: clinical testing. Allele origin: germline.
Comment: This sequence change replaces arginine, which is basic and polar, with glutamine, which is neutral and polar, at codon 965 of the FUK protein (p.Arg965Gln). This variant is present in population databases (rs761231496, gnomAD 0.006%). This variant has not been reported in the literature in individuals affected with FUK-related conditions. Algorithms developed to predict the effect of missense changes on protein structure and function output the following: SIFT: "Tolerated"; PolyPhen-2: "Benign"; Align-GVGD: "Class C0". The glutamine amino acid residue is found in multiple mammalian species, which suggests that this missense change does not adversely affect protein function. In summary, the available evidence is currently insufficient to determine the role of this variant in disease. Therefore, it has been classified as a Variant of Uncertain Significance.